The following is an entry in ClinVar:

NM_057176.3(BSND):c.754G>A (p.Glu252Lys)

Gene: BSND (barttin CLCNK type accessory subunit beta; plus strand). Cytogenetic location: 1p32.3.
Variant type: single nucleotide variant.
Coding change: c.754G>A on transcript NM_057176.3 (MANE Select); coding-DNA position 754, G replaced by A.
Protein change: p.Glu252Lys; replaces glutamic acid 252 with lysine.
Molecular consequence: missense variant.
Genome position (GRCh38, 1-based): chr1:55,008,419, G>A. VCF-style: chr1-55008419-G-A. GRCh37 (hg19) VCF-style: chr1-55474092-G-A.
Other names: short protein forms E252K.
Identifiers: ClinVar variation 1437549 (VCV001437549.4), dbSNP rs1477982675, ClinGen allele CA340478781.

ClinVar aggregate classification (germline): Uncertain significance (1 of 4 stars; one submission).

Allele frequency attached by ClinVar (database versions not stated): gnomAD exomes below 0.00001.

Submission:

Labcorp Genetics (formerly Invitae), Labcorp
Classification: Uncertain significance. Last evaluated: 2023-04-21. Review status: criteria provided, single submitter. Criteria: Invitae Variant Classification Sherloc (09022015). Collection method: clinical testing. Allele origin: germline.
Comment: This variant is present in population databases (no rsID available, gnomAD 0.003%). In summary, the available evidence is currently insufficient to determine the role of this variant in disease. Therefore, it has been classified as a Variant of Uncertain Significance. Advanced modeling of protein sequence and biophysical properties (such as structural, functional, and spatial information, amino acid conservation, physicochemical variation, residue mobility, and thermodynamic stability) performed at Invitae indicates that this missense variant is not expected to disrupt BSND protein function. ClinVar contains an entry for this variant (Variation ID: 1437549). This variant has not been reported in the literature in individuals affected with BSND-related conditions. This sequence change replaces glutamic acid, which is acidic and polar, with lysine, which is basic and polar, at codon 252 of the BSND protein (p.Glu252Lys).